The following is an entry in ClinVar:

NM_000059.4(BRCA2):c.6092C>G (p.Thr2031Ser)

Gene: BRCA2 (BRCA2 DNA repair associated; plus strand). Cytogenetic location: 13q13.1.
Variant type: single nucleotide variant.
Coding change: c.6092C>G on transcript NM_000059.4 (MANE Select); coding-DNA position 6092, C replaced by G.
Protein change: p.Thr2031Ser; replaces threonine 2031 with serine.
Molecular consequence: missense variant.
Genome position (GRCh38, 1-based): chr13:32,340,447, C>G. VCF-style: chr13-32340447-C-G. GRCh37 (hg19) VCF-style: chr13-32914584-C-G.
Other names: short protein forms T2031S.
Identifiers: ClinVar variation 230771 (VCV000230771.11), dbSNP rs876658761, ClinGen allele CA10579678.
Genomic context (GRCh38, chr13:32,340,447, plus strand): 5'-TTTCCAAAGTATTGTTTAAAAGTAACGAACATTCAGACCAGCTCACAAGAGAAGAAAATA[C>G]TGCTATACGTACTCCAGAACATTTAATATCCCAAAAAGGCTTTTCATATAATGTGGTAAA-3'
Protein context (NP_000050.3, residues 2021-2041): HSDQLTREEN[Thr2031Ser]AIRTPEHLIS

ClinVar aggregate classification (germline): Conflicting classifications of pathogenicity. Review status: criteria provided, conflicting classifications (1 of 4 stars). 3 submissions from 3 submitters: Uncertain significance (1); Likely benign (2). Last evaluated 2024-10-23.

Conditions:
Hereditary cancer-predisposing syndrome. Also called: Neoplastic Syndromes, Hereditary; Tumor predisposition; Hereditary Cancer Syndrome; Hereditary neoplastic syndrome. Identifiers: Orphanet 140162, MedGen C0027672, MeSH D009386, MONDO:0015356.
Hereditary breast ovarian cancer syndrome. Also called: BRCA1- and BRCA2-Associated Hereditary Breast and Ovarian Cancer; Hereditary breast and ovarian cancer syndrome; Hereditary breast and ovarian cancer; Hereditary breast and ovarian cancer syndrome (HBOC); Breast and ovarian cancer; Hereditary breast and/or ovarian cancer syndrome. Identifiers: Orphanet 145, MedGen C0677776, MeSH D061325, MONDO:0003582. Disease mechanism: loss of function.

Submissions (3):

Ambry Genetics
Classification: Likely benign for Hereditary cancer-predisposing syndrome. Last evaluated: 2024-10-23. Review status: criteria provided, single submitter. Criteria: Ambry Variant Classification Scheme 2023. Collection method: clinical testing. Allele origin: germline.

Labcorp Genetics (formerly Invitae), Labcorp
Classification: Uncertain significance for Hereditary breast ovarian cancer syndrome. Last evaluated: 2024-04-16. Review status: criteria provided, single submitter. Criteria: Invitae Variant Classification Sherloc (09022015). Collection method: clinical testing. Allele origin: germline.
Comment: This sequence change replaces threonine, which is neutral and polar, with serine, which is neutral and polar, at codon 2031 of the BRCA2 protein (p.Thr2031Ser). This variant is not present in population databases (gnomAD no frequency). This missense change has been observed in individual(s) with breast and/or ovarian cancer (PMID: 31825140). ClinVar contains an entry for this variant (Variation ID: 230771). Advanced modeling of protein sequence and biophysical properties (such as structural, functional, and spatial information, amino acid conservation, physicochemical variation, residue mobility, and thermodynamic stability) performed at Invitae indicates that this missense variant is not expected to disrupt BRCA2 protein function with a negative predictive value of 95%. In summary, the available evidence is currently insufficient to determine the role of this variant in disease. Therefore, it has been classified as a Variant of Uncertain Significance.

University of Washington Department of Laboratory Medicine, University of Washington
Classification: Likely benign for Hereditary cancer-predisposing syndrome. Last evaluated: 2023-03-23. Review status: criteria provided, single submitter. Criteria: Dines et al. (Genet Med. 2020). Collection method: curation. Allele origin: germline.
Comment: Missense variant in a coldspot region where missense variants are very unlikely to be pathogenic (PMID:31911673).

BRCA2 exon 11 coldspot. Reclassification based on statistical prior probability.

Literature cited by the submitters: PubMed 21614564 (cited by Ambry Genetics); PubMed 31825140 (cited by Labcorp Genetics (formerly Invitae), Labcorp).